The following is an entry in ClinVar:

NM_001360016.2(G6PD):c.650C>G (p.Ala217Gly)

Gene: G6PD (glucose-6-phosphate dehydrogenase; minus strand). Cytogenetic location: Xq28.
Variant type: single nucleotide variant.
Coding change: c.650C>G on transcript NM_001360016.2 (MANE Select); coding-DNA position 650, C replaced by G.
Protein change: p.Ala217Gly; replaces alanine 217 with glycine.
Molecular consequence: missense variant.
Genome position (GRCh38, 1-based): chrX:154,534,155, G>C on the plus strand (C>G on the coding strand, the complement: G6PD is on the minus strand). VCF-style: chrX-154534155-G-C. GRCh37 (hg19) VCF-style: chrX-153762370-G-C.
Other names: c.740C>G, p.Ala247Gly (NM_000402.4); c.650C>G, p.Ala217Gly (NM_001042351.3); short protein forms A247G, A217G.
Identifiers: ClinVar variation 4746370 (VCV004746370.1).

ClinVar aggregate classification (germline): Uncertain significance (1 of 4 stars; one submission).

Conditions:
Anemia, nonspherocytic hemolytic, due to G6PD deficiency (CNSHA1). Also called: Hemolytic anemia due to G6PD deficiency; Class I glucose-6-phosphate dehydrogenase deficiency; Favism, susceptibility to; ANEMIA, CONGENITAL, NONSPHEROCYTIC HEMOLYTIC, 1. Identifiers: Orphanet 466026, MedGen C2720289, MONDO:0010480, OMIM 300908.

Submission:

Labcorp Genetics (formerly Invitae), Labcorp
Classification: Uncertain significance for Anemia, nonspherocytic hemolytic, due to G6PD deficiency. Last evaluated: 2025-04-14. Review status: criteria provided, single submitter. Criteria: Invitae Variant Classification Sherloc (09022015). Collection method: clinical testing. Allele origin: germline.
Comment: This sequence change replaces alanine, which is neutral and non-polar, with glycine, which is neutral and non-polar, at codon 217 of the G6PD protein (p.Ala217Gly). This variant is not present in population databases (gnomAD no frequency). This variant has not been reported in the literature in individuals affected with G6PD-related conditions. Invitae Evidence Modeling of protein sequence and biophysical properties (such as structural, functional, and spatial information, amino acid conservation, physicochemical variation, residue mobility, and thermodynamic stability) indicates that this missense variant is not expected to disrupt G6PD protein function with a negative predictive value of 80%. In summary, the available evidence is currently insufficient to determine the role of this variant in disease. Therefore, it has been classified as a Variant of Uncertain Significance.